The following is an entry in ClinVar:

NM_000321.3(RB1):c.1421+12_1456del

Gene: RB1 (RB transcriptional corepressor 1; plus strand). Cytogenetic location: 13q14.2.
Variant type: Deletion.
Coding change: c.1421+12_1456del on transcript NM_000321.3 (MANE Select); 12 bases into the intron after coding-DNA position 1421 through coding-DNA position 1456, 104 bases deleted.
Molecular consequence: splice acceptor variant.
Genome position (GRCh38, 1-based): chr13:48,380,096-48,380,199, 104 bases deleted. GRCh37 (hg19): chr13:48,954,232-48,954,335.
Identifiers: ClinVar variation 1389096 (VCV001389096.6), dbSNP rs2138142421, ClinGen allele CA2573149609.

ClinVar aggregate classification (germline): Pathogenic (1 of 4 stars; one submission).

Conditions:
Retinoblastoma (RB1). Also called: RETINOBLASTOMA, SOMATIC. Identifiers: Orphanet 790, MedGen C0035335, MeSH D012175, MONDO:0008380, OMIM 180200, HP:0009919. Disease mechanism: loss of function. Inheritance: Both sporadic and heritable forms are tested..

Submission:

Labcorp Genetics (formerly Invitae), Labcorp
Classification: Pathogenic for Retinoblastoma. Last evaluated: 2021-09-06. Review status: criteria provided, single submitter. Criteria: Invitae Variant Classification Sherloc (09022015). Collection method: clinical testing. Allele origin: germline.
Comment: This variant results in the deletion of part of exon 16 (c.1421+12_1456del) of the RB1 gene. It is expected to disrupt RNA splicing. Variants that disrupt the donor or acceptor splice site typically lead to a loss of protein function (PMID: 16199547), and loss-of-function variants in RB1 are known to be pathogenic (PMID: 17096365). This variant is not present in population databases (ExAC no frequency). For these reasons, this variant has been classified as Pathogenic. This variant has been observed in individual(s) with bilateral retinoblastoma (Invitae).

Literature cited by the submitters: PubMed 16199547; PubMed 17096365.